The following is an entry in ClinVar:

ClinVar aggregate classification (germline): Likely benign (1 of 4 stars; one submission).

Conditions:
MAP3K14-related disorder. Also called: MAP3K14-related condition.

Allele frequency attached by ClinVar (database versions not stated): gnomAD exomes below 0.00001.
gnomAD v4.1: 2 of 1,607,476 alleles (0.00012%); highest among the groups gnomAD compares: Non-Finnish European, 0.00017%; no homozygotes.

Submission:

PreventionGenetics, part of Exact Sciences
Classification: Likely benign for MAP3K14-related condition. Last evaluated: 2019-04-04. Review status: criteria provided, single submitter. Criteria: ACMG Guidelines, 2015. Collection method: clinical testing. Allele origin: germline.
Comment: This variant is classified as likely benign based on ACMG/AMP sequence variant interpretation guidelines (Richards et al. 2015 PMID: 25741868, with internal and published modifications).

NM_003954.5(MAP3K14):c.2289A>G (p.Ala763=)

Genes: MAP3K14 (mitogen-activated protein kinase kinase kinase 14; minus strand), MAP3K14-AS1 (MAP3K14 antisense RNA 1; plus strand), LOC126862575 (CDK7 strongly-dependent group 2 enhancer GRCh37_chr17:43344006-43345205; plus strand). Cytogenetic location: 17q21.31.
Variant type: single nucleotide variant.
Coding change: c.2289A>G on transcript NM_003954.5 (MANE Select); coding-DNA position 2289, A replaced by G.
Protein change: p.Ala763=; no amino-acid change (alanine 763 retained).
Molecular consequence: synonymous variant.
Genome position (GRCh38, 1-based): chr17:45,267,443, T>C on the plus strand (A>G on the coding strand, the complement: MAP3K14 is on the minus strand). VCF-style: chr17-45267443-T-C. GRCh37 (hg19) VCF-style: chr17-43344810-T-C.
Identifiers: ClinVar variation 3042528 (VCV003042528.1), dbSNP rs151296471, ClinGen allele CA500639183.
Genomic context (GRCh38, chr17:45,267,443, plus strand): 5'-ACTGCAGCCACGGCTGCCCGTACCTATTTCCAGCTGCTGCAGTTCCTGCTCCGGGACGGT[T>C]GCTTTCCGCTCTGGTGAGCTGGGGTTTCTGGCAGGGGCTGGCTCCAGGGAGGACAGAGGT-3'
Protein context (NP_003945.2, residues 753-773): ARNPSSPERK[Ala763=]TVPEQELQQL